The following is an entry in ClinVar:

ClinVar aggregate classification (germline): Pathogenic. Review status: criteria provided, multiple submitters, no conflicts (2 of 4 stars). 10 submissions from 10 submitters: Pathogenic (4). 6 of the submissions do not count toward it. Last evaluated 2026-08-13.

Conditions:
BEST1-related disorder. Also called: BEST1-related condition; BEST1-related disorders. Identifiers: MedGen CN239200.
Vitelliform macular dystrophy 2. Also called: Best Vitelliform Macular Dystrophy (BVMD); VITELLIFORM MACULAR DYSTROPHY, EARLY-ONSET; VITELLIFORM MACULAR DYSTROPHY, JUVENILE-ONSET; Best vitelliform macular dystrophy, multifocal; MACULAR DEGENERATION, POLYMORPHIC VITELLINE; Best Macular Dystrophy. Identifiers: Orphanet 1243, MedGen C2745945, MONDO:0007931, OMIM 153700.

Submissions (10):

PreventionGenetics, part of Exact Sciences
Classification: Pathogenic for BEST1-related condition. Last evaluated: 2026-08-13. Review status: criteria provided, single submitter. Criteria: ACMG Guidelines, 2015. Collection method: clinical testing. Allele origin: germline.
Comment: The BEST1 c.679T>A variant is predicted to result in the amino acid substitution p.Tyr227Asn. This variant has been reported in the heterozygous state in individuals with Best macular dystrophy (Petrukhin et al. 1998. PubMed ID: 9662395; Table S1, Stone et al. 2017. PubMed ID: 28559085). Functional studies using protein expression in cell culture have shown that the p.Tyr227Asn substitution causes protein mislocalization (Milenkovic et al. 2011. PubMed ID: 21878505). Alternate substitutions of this amino acid residue (p.Tyr227Phe and p.Tyr227Cys) have also been reported in individuals with autosomal dominant Best disease (Wabbels et al. 2006. PubMed ID: 16612637; Table S1, Stone et al. 2017. PubMed ID: 28559085). This variant is absent in a large population database (gnomAD), indicating this variant is rare. This variant is interpreted as pathogenic for autosomal dominant disease.

Labcorp Genetics (formerly Invitae), Labcorp
Classification: Pathogenic. Last evaluated: 2025-07-30. Review status: criteria provided, single submitter. Criteria: Invitae Variant Classification Sherloc (09022015). Collection method: clinical testing. Allele origin: germline.
Comment: This sequence change replaces tyrosine, which is neutral and polar, with asparagine, which is neutral and polar, at codon 227 of the BEST1 protein (p.Tyr227Asn). This variant is not present in population databases (gnomAD no frequency). This missense change has been observed in individuals with autosomal dominant Best disease (PMID: 9662395, 28559085). It has also been observed to segregate with disease in related individuals. ClinVar contains an entry for this variant (Variation ID: 2731). Invitae Evidence Modeling of protein sequence and biophysical properties (such as structural, functional, and spatial information, amino acid conservation, physicochemical variation, residue mobility, and thermodynamic stability) indicates that this missense variant is expected to disrupt BEST1 protein function with a positive predictive value of 95%. Experimental studies have shown that this missense change affects BEST1 function (PMID: 21878505, 23880862). This variant disrupts the p.Tyr227 amino acid residue in BEST1. Other variant(s) that disrupt this residue have been determined to be pathogenic (PMID: 9700209, 26418331, 28559085, 30582078). This suggests that this residue is clinically significant, and that variants that disrupt this residue are likely to be disease-causing. For these reasons, this variant has been classified as Pathogenic.

Blueprint Genetics
Classification: Pathogenic for BEST1-related disorders. Last evaluated: 2024-01-22. Review status: criteria provided, single submitter. Criteria: ACMG Guidelines, 2015. Collection method: clinical testing. Allele origin: germline. Affected: yes. Observed: 4 variant alleles.

GeneDx
Classification: Pathogenic. Last evaluated: 2023-08-01. Review status: criteria provided, single submitter. Criteria: GeneDx Variant Classification Process June 2021. Collection method: clinical testing. Allele origin: germline. Affected: yes.
Comment: Published functional studies demonstrate a damaging effect due to altered cellular localization, a severe trafficking defect, and increased lysosomal degradation of the mislocalized protein (Milenkovic et al., 2011; Milenkovic el al., 2018); Not observed at significant frequency in large population cohorts (gnomAD); In silico analysis supports that this missense variant has a deleterious effect on protein structure/function; This variant is associated with the following publications: (PMID: 33154968, 17898294, 20381869, 23880862, 21878505, 29668979, 31201163, 14205432, 24560797, 28687848, 23633665, 27193166, 17591911, 17065513, 17460247, 19398034, 17477921, 21498618, 28559085, 9662395, 16286623, 19357557)

OMIM
Classification: Pathogenic for MACULAR DYSTROPHY, VITELLIFORM, 2. Last evaluated: 2005-11-01. Review status: no assertion criteria provided. Collection method: literature only. Allele origin: germline. Not counted in ClinVar's aggregate classification.

Clinical Genetics DNA and cytogenetics Diagnostics Lab, Erasmus MC, Erasmus Medical Center
Classification: Pathogenic. Review status: no assertion criteria provided. Collection method: clinical testing. Allele origin: germline. Affected: yes. Study: VKGL Data-share Consensus. Not counted in ClinVar's aggregate classification.

Clinical Genetics, Academic Medical Center
Classification: Pathogenic. Review status: no assertion criteria provided. Collection method: clinical testing. Allele origin: germline. Affected: yes. Study: VKGL Data-share Consensus. Not counted in ClinVar's aggregate classification.

Genome Diagnostics Laboratory, Amsterdam University Medical Center
Classification: Pathogenic. Review status: no assertion criteria provided. Collection method: clinical testing. Allele origin: germline. Affected: yes. Study: VKGL Data-share Consensus. Not counted in ClinVar's aggregate classification.

Joint Genome Diagnostic Labs from Nijmegen and Maastricht, Radboudumc and MUMC+
Classification: Pathogenic. Review status: no assertion criteria provided. Collection method: clinical testing. Allele origin: germline. Affected: yes. Study: VKGL Data-share Consensus. Not counted in ClinVar's aggregate classification.

Retina International
No classification provided. Review status: no classification provided. Collection method: not provided. Allele origin: not provided. Not counted in ClinVar's aggregate classification.

Literature cited by the submitters: PubMed 9662395 (cited by Labcorp Genetics (formerly Invitae), Labcorp and OMIM); PubMed 28559085 (cited by Labcorp Genetics (formerly Invitae), Labcorp); PubMed 21878505 (cited by Labcorp Genetics (formerly Invitae), Labcorp); PubMed 23880862 (cited by Labcorp Genetics (formerly Invitae), Labcorp); PubMed 9700209 (cited by Labcorp Genetics (formerly Invitae), Labcorp); PubMed 26418331 (cited by Labcorp Genetics (formerly Invitae), Labcorp); PubMed 30582078 (cited by Labcorp Genetics (formerly Invitae), Labcorp); PubMed 14205432 (cited by OMIM); PubMed 16286623 (cited by OMIM).

NM_004183.4(BEST1):c.679T>A (p.Tyr227Asn)

Gene: BEST1 (bestrophin 1; plus strand). Cytogenetic location: 11q12.3.
Variant type: single nucleotide variant.
Coding change: c.679T>A on transcript NM_004183.4 (MANE Select); coding-DNA position 679, T replaced by A.
Protein change: p.Tyr227Asn; replaces tyrosine 227 with asparagine.
Molecular consequence: missense variant. On other transcripts: non-coding transcript variant (1).
Genome position (GRCh38, 1-based): chr11:61,957,429, T>A. VCF-style: chr11-61957429-T-A. GRCh37 (hg19) VCF-style: chr11-61724901-T-A.
Other names: c.499T>A, p.Tyr167Asn (NM_001139443.3, NM_001300786.2, NM_001300787.2); c.361T>A, p.Tyr121Asn (NM_001363591.3); c.679T>A, p.Tyr227Asn (NM_001363592.2); c.-497T>A (NM_001363593.3); short protein forms Y227N, Y167N, Y121N.
Identifiers: ClinVar variation 2731 (VCV000002731.20), dbSNP rs28941469, ClinGen allele CA227804.
Genomic context (GRCh38, chr11:61,957,429, plus strand): 5'-CCCTCTTCTGCCCCCCAGGAGATGAACACCTTGCGTACTCAGTGTGGACACCTGTATGCC[T>A]ACGACTGGATTAGTATCCCACTGGTGTATACACAGGTGAGGACTAGGCTGGTGAGGCTGC-3'
Protein context (NP_004174.1, residues 217-237): LRTQCGHLYA[Tyr227Asn]DWISIPLVYT